The following is an entry in ClinVar:

ClinVar aggregate classification (germline): Uncertain significance (1 of 4 stars; one submission).

Conditions:
Polycystic kidney disease, adult type (PKD1). Also called: Polycystic Kidney Disease 1, Autosomal Dominant; Polycystic kidney disease 1; Polycystic kidney disease 1, severe; POLYCYSTIC KIDNEY DISEASE 1 WITH OR WITHOUT POLYCYSTIC LIVER DISEASE; POLYCYSTIC KIDNEY DISEASE, ADULT, TYPE I; Polycystic Kidney, Autosomal Dominant. Identifiers: MedGen C3149841, MONDO:0008263, OMIM 173900.

Submission:

OLLIN Analises Genomicas, OLLIN
Classification: Uncertain significance for Polycystic kidney disease, adult type. Last evaluated: 2026-02-06. Review status: criteria provided, single submitter. Criteria: ACMG Guidelines 2015 PMID 25741868. Collection method: clinical testing. Allele origin: germline. Affected: yes. Observed: 1 variant allele.
Comment: The inframe deletion (chr16:2104507TGAG>T), located in exon 22 (of 46), is not reported in the gnomAD v4.1 non-UKB and ClinVar databases. However, it is reported in the scientific literature in individuals with polycystic kidneys (PMID: 33517396, 38163131). This variant removes an amino acid without altering the reading frame, but reducing the size of the protein function. According to the currently available evidence, this variant has been classified as of uncertain significance (VUS) (PM2_P, PM4).

Literature cited by the submitters: PubMed 33517396; PubMed 38163131.

NM_001009944.3(PKD1):c.8149_8151del (p.Leu2717del)

Gene: PKD1 (polycystin 1, transient receptor potential channel interacting; minus strand). Cytogenetic location: 16p13.3.
Variant type: Deletion.
Coding change: c.8149_8151del on transcript NM_001009944.3 (MANE Select); coding-DNA positions 8149 to 8151, 3 bases deleted (CTC; older notation c.8149_8151delCTC).
Protein change: p.Leu2717del; deletes leucine 2717.
Genome position (GRCh38, 1-based): chr16:2,104,508-2,104,510, GAG deleted on the plus strand (CTC on the coding strand, the reverse complement: PKD1 is on the minus strand); deleting any 3 consecutive bases within chr16:2,104,508-2,104,512 gives the same sequence; the c. name uses the placement nearest the transcript's 3' end. VCF-style (leftmost placement, unchanged base first): chr16-2104507-TGAG-T. GRCh37 (hg19) VCF-style: chr16-2154508-TGAG-T.
Other names: c.8149_8151del, p.Leu2717del (NM_000296.4); short protein forms L2717del.
Identifiers: ClinVar variation 4814151 (VCV004814151.1).